The following is an entry in ClinVar:

NM_002437.5(MPV17):c.527T>C (p.Leu176Pro)

Gene: MPV17 (mitochondrial inner membrane protein MPV17; minus strand). Cytogenetic location: 2p23.3.
Variant type: single nucleotide variant.
Coding change: c.527T>C on transcript NM_002437.5 (MANE Select); coding-DNA position 527, T replaced by C.
Protein change: p.Leu176Pro; replaces leucine 176 with proline.
Molecular consequence: missense variant.
Genome position (GRCh38, 1-based): chr2:27,309,916, A>G on the plus strand (T>C on the coding strand, the complement: MPV17 is on the minus strand). VCF-style: chr2-27309916-A-G. GRCh37 (hg19) VCF-style: chr2-27532784-A-G.
Other names: c.527T>C (NM_002437.4); short protein forms L176P.
Identifiers: ClinVar variation 2179934 (VCV002179934.2), dbSNP rs779425887, ClinGen allele CA1575460.
Genomic context (GRCh38, chr2:27,309,916, plus strand): 5'-CCGTTCCAGGGTCAAGCTGCATCACTGCAAGGTGGAAACGATGGAGTGAGGCAGGCTTAG[A>G]GCCGATGTGCCTTCCAGGACAGGTAGGAGTTCCAGATAACAGCAACACATTGGACAACGG-3'
Protein context (NP_002428.1, residues 166-176): NSYLSWKAHR[Leu176Pro]

ClinVar aggregate classification (germline): Uncertain significance. Review status: criteria provided, multiple submitters, no conflicts (2 of 4 stars). 2 submissions from 2 submitters: Uncertain significance (2). Last evaluated 2025-09-22.

Conditions:
Inborn genetic diseases. Identifiers: MedGen C0950123, MeSH D030342.

Allele frequency attached by ClinVar (database versions not stated): TOPMed 0.00002; ExAC 0.00003; gnomAD exomes 0.00003; gnomAD 0.00001.
gnomAD v4.1: 42 of 1,613,602 alleles (0.0026%); highest among the groups gnomAD compares: Non-Finnish European, 0.0034%; no homozygotes.

Submissions (2):

Ambry Genetics
Classification: Uncertain significance for Inborn genetic diseases. Last evaluated: 2025-09-22. Review status: criteria provided, single submitter. Criteria: Ambry Variant Classification Scheme 2023. Collection method: clinical testing. Allele origin: germline.

Labcorp Genetics (formerly Invitae), Labcorp
Classification: Uncertain significance. Last evaluated: 2021-09-17. Review status: criteria provided, single submitter. Criteria: Invitae Variant Classification Sherloc (09022015). Collection method: clinical testing. Allele origin: germline.
Comment: This sequence change replaces leucine with proline at codon 176 of the MPV17 protein (p.Leu176Pro). The leucine residue is weakly conserved and there is a moderate physicochemical difference between leucine and proline. This variant is present in population databases (rs779425887, ExAC 0.005%). This variant has not been reported in the literature in individuals with MPV17-related conditions. Algorithms developed to predict the effect of missense changes on protein structure and function output the following: SIFT: "Tolerated"; PolyPhen-2: "Possibly Damaging"; Align-GVGD: "Class C0". The proline amino acid residue is found in multiple mammalian species, suggesting that this missense change does not adversely affect protein function. These predictions have not been confirmed by published functional studies and their clinical significance is uncertain. In summary, the available evidence is currently insufficient to determine the role of this variant in disease. Therefore, it has been classified as a Variant of Uncertain Significance.